The following is an entry in ClinVar:

ClinVar aggregate classification (germline): Uncertain significance (1 of 4 stars; one submission).

Allele frequency attached by ClinVar (database versions not stated): TOPMed below 0.00001; gnomAD 0.00001; gnomAD exomes 0.00001.
gnomAD v4.1: 7 of 1,614,042 alleles (0.00043%); highest among the groups gnomAD compares: Admixed American, 0.0033%; no homozygotes.

Submission:

Labcorp Genetics (formerly Invitae), Labcorp
Classification: Uncertain significance. Last evaluated: 2022-08-12. Review status: criteria provided, single submitter. Criteria: Invitae Variant Classification Sherloc (09022015). Collection method: clinical testing. Allele origin: germline.
Comment: This sequence change replaces arginine, which is basic and polar, with glutamine, which is neutral and polar, at codon 302 of the PRPF6 protein (p.Arg302Gln). This variant is present in population databases (no rsID available, gnomAD 0.005%). This variant has not been reported in the literature in individuals affected with PRPF6-related conditions. Algorithms developed to predict the effect of missense changes on protein structure and function (SIFT, PolyPhen-2, Align-GVGD) all suggest that this variant is likely to be disruptive. In summary, the available evidence is currently insufficient to determine the role of this variant in disease. Therefore, it has been classified as a Variant of Uncertain Significance.

NM_012469.4(PRPF6):c.905G>A (p.Arg302Gln)

Gene: PRPF6 (pre-mRNA processing factor 6; plus strand). Cytogenetic location: 20q13.33.
Variant type: single nucleotide variant.
Coding change: c.905G>A on transcript NM_012469.4 (MANE Select); coding-DNA position 905, G replaced by A.
Protein change: p.Arg302Gln; replaces arginine 302 with glutamine.
Molecular consequence: missense variant.
Genome position (GRCh38, 1-based): chr20:63,999,641, G>A. VCF-style: chr20-63999641-G-A. GRCh37 (hg19) VCF-style: chr20-62630994-G-A.
Other names: short protein forms R302Q.
Identifiers: ClinVar variation 1934857 (VCV001934857.5), dbSNP rs1043474019, ClinGen allele CA317529345.
Genomic context (GRCh38, chr20:63,999,641, plus strand): 5'-GTGTGCACTCTCCCTCTCATAGTGATATCAAGAAGGCGCGACTGCTCCTCAAGTCTGTTC[G>A]GGAGACGAACCCTCATCACCCGCCAGCCTGGATTGCATCAGCCCGCCTGGAAGAAGTCAC-3'
Protein context (NP_036601.2, residues 292-312): KKARLLLKSV[Arg302Gln]ETNPHHPPAW